The following is an entry in ClinVar:

NM_000528.4(MAN2B1):c.128C>A (p.Ala43Glu)

Gene: MAN2B1 (mannosidase alpha class 2B member 1; minus strand). Cytogenetic location: 19p13.13.
Variant type: single nucleotide variant.
Coding change: c.128C>A on transcript NM_000528.4 (MANE Select); coding-DNA position 128, C replaced by A.
Protein change: p.Ala43Glu; replaces alanine 43 with glutamic acid.
Molecular consequence: missense variant.
Genome position (GRCh38, 1-based): chr19:12,666,574, G>T on the plus strand (C>A on the coding strand, the complement: MAN2B1 is on the minus strand). VCF-style: chr19-12666574-G-T. GRCh37 (hg19) VCF-style: chr19-12777388-G-T.
Other names: c.128C>A, p.Ala43Glu (NM_001173498.2); short protein forms A43E.
Identifiers: ClinVar variation 838608 (VCV000838608.8), dbSNP rs867517934, ClinGen allele CA404260435.

ClinVar aggregate classification (germline): Uncertain significance (1 of 4 stars; one submission).

Conditions:
Deficiency of alpha-mannosidase (MANSA). Also called: Mannosidosis, alpha-, types I and II; LYSOSOMAL ALPHA-D-MANNOSIDASE DEFICIENCY; Alpha-Mannosidosis. Identifiers: Orphanet 61, MedGen C0024748, MONDO:0009561, OMIM 248500.

Submission:

Labcorp Genetics (formerly Invitae), Labcorp
Classification: Uncertain significance for Deficiency of alpha-mannosidase. Last evaluated: 2021-05-14. Review status: criteria provided, single submitter. Criteria: Invitae Variant Classification Sherloc (09022015). Collection method: clinical testing. Allele origin: germline.
Comment: In summary, the available evidence is currently insufficient to determine the role of this variant in disease. Therefore, it has been classified as a Variant of Uncertain Significance. Algorithms developed to predict the effect of sequence changes on RNA splicing suggest that this variant may create or strengthen a splice site, but this prediction has not been confirmed by published transcriptional studies. Algorithms developed to predict the effect of missense changes on protein structure and function are either unavailable or do not agree on the potential impact of this missense change (SIFT: "Tolerated"; PolyPhen-2: "Probably Damaging"; Align-GVGD: "Class C0"). This variant has not been reported in the literature in individuals with MAN2B1-related conditions. This variant is not present in population databases (ExAC no frequency). This sequence change replaces alanine with glutamic acid at codon 43 of the MAN2B1 protein (p.Ala43Glu). The alanine residue is weakly conserved and there is a moderate physicochemical difference between alanine and glutamic acid.